The following is an entry in ClinVar:

ClinVar aggregate classification (germline): Uncertain significance. Review status: criteria provided, multiple submitters, no conflicts (2 of 4 stars). 3 submissions from 3 submitters: Uncertain significance (3). Last evaluated 2024-11-06.

Conditions:
Inborn genetic diseases. Identifiers: MedGen C0950123, MeSH D030342.
Nemaline myopathy 2 (NEM2). Also called: Nemaline myopathy 2, autosomal recessive. Identifiers: MedGen C1850569, MONDO:0009725, OMIM 256030.

Allele frequency attached by ClinVar (database versions not stated): TOPMed 0.00001.

Submissions (3):

Ambry Genetics
Classification: Uncertain significance for Inborn genetic diseases. Last evaluated: 2024-11-06. Review status: criteria provided, single submitter. Criteria: Ambry Variant Classification Scheme 2023. Collection method: clinical testing. Allele origin: germline.

Labcorp Genetics (formerly Invitae), Labcorp
Classification: Uncertain significance for Nemaline myopathy 2. Last evaluated: 2022-05-05. Review status: criteria provided, single submitter. Criteria: Invitae Variant Classification Sherloc (09022015). Collection method: clinical testing. Allele origin: germline.
Comment: This sequence change replaces proline, which is neutral and non-polar, with serine, which is neutral and polar, at codon 2530 of the NEB protein (p.Pro2530Ser). This variant is not present in population databases (gnomAD no frequency). This variant has not been reported in the literature in individuals affected with NEB-related conditions. Algorithms developed to predict the effect of missense changes on protein structure and function are either unavailable or do not agree on the potential impact of this missense change (SIFT: "Deleterious"; PolyPhen-2: "Not Available"; Align-GVGD: "Class C0"). In summary, the available evidence is currently insufficient to determine the role of this variant in disease. Therefore, it has been classified as a Variant of Uncertain Significance.

Revvity Omics, Revvity
Classification: Uncertain significance. Last evaluated: 2021-06-08. Review status: criteria provided, single submitter. Criteria: ACMG Guidelines, 2015. Collection method: clinical testing. Allele origin: germline.

NM_001164508.2(NEB):c.7588C>T (p.Pro2530Ser)

Gene: NEB (nebulin; minus strand). Cytogenetic location: 2q23.3.
Variant type: single nucleotide variant.
Coding change: c.7588C>T on transcript NM_001164508.2 (MANE Select); coding-DNA position 7588, C replaced by T.
Protein change: p.Pro2530Ser; replaces proline 2530 with serine.
Molecular consequence: missense variant.
Genome position (GRCh38, 1-based): chr2:151,644,524, G>A on the plus strand (C>T on the coding strand, the complement: NEB is on the minus strand). VCF-style: chr2-151644524-G-A. GRCh37 (hg19) VCF-style: chr2-152501038-G-A.
Other names: c.7588C>T (NM_004543.4); c.7588C>T, p.Pro2530Ser (NM_001164507.2, NM_001271208.2, NM_004543.5); short protein forms P2530S.
Identifiers: ClinVar variation 2157261 (VCV002157261.5), dbSNP rs1273909326, ClinGen allele CA348783227.